The following is an entry in ClinVar:

ClinVar aggregate classification (germline): Uncertain significance (1 of 4 stars; one submission).

gnomAD v4.1: 3 of 1,613,864 alleles (0.00019%); highest among the groups gnomAD compares: African/African-American, 0.0013%; no homozygotes.

Submission:

Labcorp Genetics (formerly Invitae), Labcorp
Classification: Uncertain significance. Last evaluated: 2025-02-27. Review status: criteria provided, single submitter. Criteria: Invitae Variant Classification Sherloc (09022015). Collection method: clinical testing. Allele origin: germline.
Comment: This sequence change replaces glycine, which is neutral and non-polar, with alanine, which is neutral and non-polar, at codon 254 of the CLCN7 protein (p.Gly254Ala). This variant is not present in population databases (gnomAD no frequency). This variant has not been reported in the literature in individuals affected with CLCN7-related conditions. Invitae Evidence Modeling of protein sequence and biophysical properties (such as structural, functional, and spatial information, amino acid conservation, physicochemical variation, residue mobility, and thermodynamic stability) indicates that this missense variant is expected to disrupt CLCN7 protein function with a positive predictive value of 95%. In summary, the available evidence is currently insufficient to determine the role of this variant in disease. Therefore, it has been classified as a Variant of Uncertain Significance.

NM_001287.6(CLCN7):c.761G>C (p.Gly254Ala)

Gene: CLCN7 (Cl-/H+ antiporter 7; minus strand). Cytogenetic location: 16p13.3.
Variant type: single nucleotide variant.
Coding change: c.761G>C on transcript NM_001287.6 (MANE Select); coding-DNA position 761, G replaced by C.
Protein change: p.Gly254Ala; replaces glycine 254 with alanine.
Molecular consequence: missense variant.
Genome position (GRCh38, 1-based): chr16:1,457,315, C>G on the plus strand (G>C on the coding strand, the complement: CLCN7 is on the minus strand). VCF-style: chr16-1457315-C-G. GRCh37 (hg19) VCF-style: chr16-1507316-C-G.
Other names: c.689G>C, p.Gly230Ala (NM_001114331.3); short protein forms G230A, G254A.
Identifiers: ClinVar variation 3686672 (VCV003686672.2).